The following is an entry in ClinVar:

ClinVar aggregate classification (germline): Uncertain significance. Review status: criteria provided, multiple submitters, no conflicts (2 of 4 stars). 2 submissions from 2 submitters: Uncertain significance (2). Last evaluated 2021-09-01.

Allele frequency attached by ClinVar (database versions not stated): gnomAD exomes below 0.00001 and 0.00001; gnomAD 0.00001; TOPMed 0.00003.

Submissions (2):

Labcorp Genetics (formerly Invitae), Labcorp
Classification: Uncertain significance. Last evaluated: 2021-09-01. Review status: criteria provided, single submitter. Criteria: Invitae Variant Classification Sherloc (09022015). Collection method: clinical testing. Allele origin: germline.
Comment: This sequence change replaces alanine with threonine at codon 1598 of the ABCA4 protein (p.Ala1598Thr). The alanine residue is moderately conserved and there is a small physicochemical difference between alanine and threonine. This variant is not present in population databases (ExAC no frequency). This variant has not been reported in the literature in individuals affected with ABCA4-related conditions. Advanced modeling of protein sequence and biophysical properties (such as structural, functional, and spatial information, amino acid conservation, physicochemical variation, residue mobility, and thermodynamic stability) performed at Invitae indicates that this missense variant is not expected to disrupt ABCA4 protein function. This variant disrupts the p.Ala1598 amino acid residue in ABCA4. Other variant(s) that disrupt this residue have been determined to be pathogenic (PMID: 10958761, 19074458, 23105016, 28559085). This suggests that this residue is clinically significant, and that variants that disrupt this residue are likely to be disease-causing. In summary, the available evidence is currently insufficient to determine the role of this variant in disease. Therefore, it has been classified as a Variant of Uncertain Significance.

Blueprint Genetics
Classification: Uncertain significance. Last evaluated: 2019-09-19. Review status: criteria provided, single submitter. Criteria: ACMG Guidelines, 2015. Collection method: clinical testing. Allele origin: germline.

Literature cited by the submitters: PubMed 10958761 (cited by Labcorp Genetics (formerly Invitae), Labcorp); PubMed 19074458 (cited by Labcorp Genetics (formerly Invitae), Labcorp); PubMed 23105016 (cited by Labcorp Genetics (formerly Invitae), Labcorp); PubMed 28559085 (cited by Labcorp Genetics (formerly Invitae), Labcorp).

NM_000350.3(ABCA4):c.4792G>A (p.Ala1598Thr)

Genes: ABCA4 (ATP binding cassette subfamily A member 4; minus strand), LOC126805793 (CDK7 strongly-dependent group 2 enhancer GRCh37_chr1:94486302-94487501; plus strand). Cytogenetic location: 1p22.1.
Variant type: single nucleotide variant.
Coding change: c.4792G>A on transcript NM_000350.3 (MANE Select); coding-DNA position 4792, G replaced by A.
Protein change: p.Ala1598Thr; replaces alanine 1598 with threonine.
Molecular consequence: missense variant.
Genome position (GRCh38, 1-based): chr1:94,021,696, C>T on the plus strand (G>A on the coding strand, the complement: ABCA4 is on the minus strand). VCF-style: chr1-94021696-C-T. GRCh37 (hg19) VCF-style: chr1-94487252-C-T.
Other names: c.4570G>A, p.Ala1524Thr (NM_001425324.1); short protein forms A1598T, A1524T.
Identifiers: ClinVar variation 1359074 (VCV001359074.4), dbSNP rs1281982868, ClinGen allele CA341283676.